The following is an entry in ClinVar:

NM_000512.5(GALNS):c.482G>A (p.Gly161Glu)

Gene: GALNS (galactosamine (N-acetyl)-6-sulfatase; minus strand). Cytogenetic location: 16q24.3.
Variant type: single nucleotide variant.
Coding change: c.482G>A on transcript NM_000512.5 (MANE Select); coding-DNA position 482, G replaced by A.
Protein change: p.Gly161Glu; replaces glycine 161 with glutamic acid.
Molecular consequence: missense variant. On other transcripts: 5 prime UTR variant (1).
Genome position (GRCh38, 1-based): chr16:88,837,706, C>T on the plus strand (G>A on the coding strand, the complement: GALNS is on the minus strand). VCF-style: chr16-88837706-C-T. GRCh37 (hg19) VCF-style: chr16-88904114-C-T.
Other names: c.-74G>A (NM_001323543.2); c.500G>A, p.Gly167Glu (NM_001323544.2); short protein forms G161E, G167E.
Identifiers: ClinVar variation 1048193 (VCV001048193.3), dbSNP rs2143002420, ClinGen allele CA397083134.

ClinVar aggregate classification (germline): Uncertain significance (1 of 4 stars; one submission).

Conditions:
Mucopolysaccharidosis, MPS-IV-A (MPS4A). Also called: Mucopolysaccharidosis type IV A; Mucopolysaccharidosis Type IVA; Morquio syndrome A, mild; MORQUIO SYNDROME A; MPS IVA; mucopolysaccharidosis type 4A. Identifiers: Orphanet 309297, Orphanet 582, MedGen C0086651, MONDO:0009659, OMIM 253000.

Submission:

Laboratory of Diagnosis and Therapy of Lysosomal Disorders, University of Padova
Classification: Uncertain significance for Mucopolysaccharidosis, MPS-IV-A. Last evaluated: 2021-02-01. Review status: criteria provided, single submitter. Criteria: ACMG Guidelines, 2015. Collection method: curation. Allele origin: germline. Affected: yes.
Comment: Absent from gnomAD v2.1.1 (PM2_moderate); multiple lines of computational evidence support a deleterious effect on the gene (PP3_supporting)

Literature cited by the submitters: PubMed 24120057; PubMed 34387910.